The following is an entry in ClinVar:

NM_006371.5(CRTAP):c.179G>A (p.Trp60Ter)

Gene: CRTAP (cartilage associated protein; plus strand). Cytogenetic location: 3p22.3.
Variant type: single nucleotide variant.
Coding change: c.179G>A on transcript NM_006371.5 (MANE Select); coding-DNA position 179, G replaced by A.
Protein change: p.Trp60Ter; replaces tryptophan 60 with a stop codon.
Molecular consequence: nonsense.
Genome position (GRCh38, 1-based): chr3:33,114,256, G>A. VCF-style: chr3-33114256-G-A. GRCh37 (hg19) VCF-style: chr3-33155748-G-A.
Other names: c.179G>A, p.Trp60Ter (NM_001393363.1, NM_001393364.1, NM_001393365.1); short protein forms W60*.
Identifiers: ClinVar variation 2828362 (VCV002828362.3), dbSNP rs2471561343, ClinGen allele CA352008313.

ClinVar aggregate classification (germline): Pathogenic (1 of 4 stars; one submission).

Conditions:
Osteogenesis imperfecta type 7 (OI7). Also called: OSTEOGENESIS IMPERFECTA, TYPE IIB; Osteogenesis imperfecta type 2B; OI type 2B; Osteogenesis imperfecta, perinatal lethal autosomal recessive; OI type IIB; OI type 7. Identifiers: MedGen C1853162, MONDO:0012536, OMIM 610682.

Submission:

Labcorp Genetics (formerly Invitae), Labcorp
Classification: Pathogenic for Osteogenesis imperfecta type 7. Last evaluated: 2023-01-14. Review status: criteria provided, single submitter. Criteria: Invitae Variant Classification Sherloc (09022015). Collection method: clinical testing. Allele origin: germline.
Comment: This sequence change creates a premature translational stop signal (p.Trp60*) in the CRTAP gene. It is expected to result in an absent or disrupted protein product. Loss-of-function variants in CRTAP are known to be pathogenic (PMID: 17055431, 19862557, 24715559). For these reasons, this variant has been classified as Pathogenic. This variant has not been reported in the literature in individuals affected with CRTAP-related conditions. This variant is not present in population databases (gnomAD no frequency).

Literature cited by the submitters: PubMed 17055431; PubMed 19862557; PubMed 24715559.